The following is an entry in ClinVar:

ClinVar aggregate classification (germline): Uncertain significance (1 of 4 stars; one submission).

Submission:

Women's Health and Genetics/Laboratory Corporation of America, LabCorp
Classification: Uncertain significance. Last evaluated: 2025-12-14. Review status: criteria provided, single submitter. Criteria: LabCorp Variant Classification Summary - May 2015. Collection method: clinical testing. Allele origin: germline.
Comment: Variant summary: SCN9A c.4486T>A (p.Cys1496Ser) results in a non-conservative amino acid change in the encoded protein sequence. Algorithms developed to predict the effect of missense changes on protein structure and function all suggest that this variant is likely to be disruptive. The variant was absent in 248034 control chromosomes. The available data on variant occurrences in the general population are insufficient to allow any conclusion about variant significance. To our knowledge, no occurrence of c.4486T>A in individuals affected with SCN9A-related conditions and no experimental evidence demonstrating its impact on protein function have been reported. No submitters have cited clinical-significance assessments for this variant to ClinVar. Based on the evidence outlined above, the variant was classified as uncertain significance.

NM_001365536.1(SCN9A):c.4519T>A (p.Cys1507Ser)

Genes: SCN1A-AS1 (SCN1A and SCN9A antisense RNA 1; plus strand), SCN9A (sodium voltage-gated channel alpha subunit 9; minus strand). Cytogenetic location: 2q24.3.
Variant type: single nucleotide variant.
Coding change: c.4519T>A on transcript NM_001365536.1 (MANE Select); coding-DNA position 4519, T replaced by A.
Protein change: p.Cys1507Ser; replaces cysteine 1507 with serine.
Molecular consequence: missense variant.
Genome position (GRCh38, 1-based): chr2:166,204,210, A>T on the plus strand (T>A on the coding strand, the complement: SCN9A is on the minus strand). VCF-style: chr2-166204210-A-T. GRCh37 (hg19) VCF-style: chr2-167060720-A-T.
Other names: c.4486T>A, p.Cys1496Ser (NM_002977.4); short protein forms C1496S, C1507S.
Identifiers: ClinVar variation 4688322 (VCV004688322.1).